The following is an entry in ClinVar:

ClinVar aggregate classification (germline): Pathogenic (1 of 4 stars; one submission).

Conditions:
Neurodevelopmental disorder. Identifiers: MedGen C1535926, MeSH D065886, MONDO:0700092.

Submission:

Victorian Clinical Genetics Services, Murdoch Childrens Research Institute
Classification: Pathogenic for Neurodevelopmental disorder. Last evaluated: 2022-02-02. Review status: criteria provided, single submitter. Criteria: ACMG Guidelines, 2015. Collection method: clinical testing. Allele origin: germline. Affected: yes.
Comment: Based on the classification scheme VCGS_Germline_v1.3.4, this variant is classified as pathogenic. Following criteria are met: 0103 - Loss of function and dominant negative are reported mechanisms of disease in this gene and are associated with POLRMT-related neurological disease. Loss of function has been shown for premature termination and missense variants, whereas dominant negative has been reported for an in-frame deletion variant. (PMID:33602924) (I) 0108 - This gene is associated with both recessive and dominant disease. Currently there is no clear association known between variant type and form of inheritance, however only two premature termination variants have been reported and both have been associated with recessive inheritance (PMID:33602924). (I) 0115 - Variants in this gene are known to have variable expressivity. Disease severity and age of onset are variable among reported patients (PMID:33602924). (I) 0201 - Variant is predicted to cause nonsense-mediated decay (NMD) and loss of protein (premature termination codon is located at least 54 nucleotides upstream of the final exon-exon junction). (SP) 0251 - This variant is heterozygous. (I) 0301 - Variant is absent from gnomAD (both v2 and v3). (SP) 0703 - Other premature termination variants comparable to the one identified in this case have moderate previous evidence for pathogenicity. Two NMD-predicted variants have been reported in patients with recessive inheritance (PMID:33602924). (SP) 0807 - This variant has no previous evidence of pathogenicity. (I) 0905 - No published segregation evidence has been identified for this variant. (I) 1007 - No published functional evidence has been identified for this variant. (I) 1208 - Inheritance information for this variant is not currently available in this individual. (I) Legend: (SP) - Supporting pathogenic, (I) - Information, (SB) - Supporting benign

Literature cited by the submitters: PubMed 33602924.

NM_005035.4(POLRMT):c.2424del (p.Cys809fs)

Gene: POLRMT (RNA polymerase mitochondrial; minus strand). Cytogenetic location: 19p13.3.
Variant type: Deletion.
Coding change: c.2424del on transcript NM_005035.4 (MANE Select); coding-DNA position 2424, one base deleted (C; older notation c.2424delC).
Protein change: p.Cys809fs; shifts the reading frame from cysteine 809.
Molecular consequence: frameshift variant. On other transcripts: non-coding transcript variant (1).
Genome position (GRCh38, 1-based): chr19:621,274, G deleted on the plus strand (C on the coding strand, the reverse complement: POLRMT is on the minus strand); the first of 4 consecutive G bases (chr19:621,274-621,277); deleting any one gives the same sequence. VCF-style (leftmost placement, unchanged base first): chr19-621273-AG-A. GRCh37 (hg19) VCF-style: chr19-621273-AG-A.
Other names: c.2424del, p.Cys809fs (NM_001407805.1, NM_001407808.1, NM_001407812.1 and 4 more transcripts); c.2415del, p.Cys806fs (NM_001407806.1, NM_001407809.1); c.2412del, p.Cys805fs (NM_001407807.1, NM_001407810.1); c.2382del, p.Cys795fs (NM_001407811.1, NM_001407813.1); c.2199del, p.Cys734fs (NM_001407830.1, NM_001407832.1); c.2100del, p.Cys701fs (NM_001407831.1, NM_001407833.1, NM_001407835.1 and 1 more transcripts); c.2091del, p.Cys698fs (NM_001407834.1); short protein forms C698fs, C701fs, C734fs, C795fs, C805fs, C806fs, C809fs.
Identifiers: ClinVar variation 3376607 (VCV003376607.1).